The following is an entry in ClinVar:

NM_000059.4(BRCA2):c.847A>T (p.Ile283Phe)

Gene: BRCA2 (BRCA2 DNA repair associated; plus strand). Cytogenetic location: 13q13.1.
Variant type: single nucleotide variant.
Coding change: c.847A>T on transcript NM_000059.4 (MANE Select); coding-DNA position 847, A replaced by T.
Protein change: p.Ile283Phe; replaces isoleucine 283 with phenylalanine.
Molecular consequence: missense variant.
Genome position (GRCh38, 1-based): chr13:32,332,325, A>T. VCF-style: chr13-32332325-A-T. GRCh37 (hg19) VCF-style: chr13-32906462-A-T.
Other names: short protein forms I283F.
Identifiers: ClinVar variation 482977 (VCV000482977.9), dbSNP rs80359097, ClinGen allele CA387760520.

ClinVar aggregate classification (germline): Conflicting classifications of pathogenicity. Review status: criteria provided, conflicting classifications (1 of 4 stars). 3 submissions from 3 submitters: Uncertain significance (1); Likely benign (2). Last evaluated 2025-02-25.

Conditions:
Hereditary breast ovarian cancer syndrome. Also called: Hereditary breast and ovarian cancer syndrome; Hereditary breast and ovarian cancer; Hereditary breast and ovarian cancer syndrome (HBOC); Breast and ovarian cancer; Hereditary breast and/or ovarian cancer syndrome; BRCA1- and BRCA2-Associated Hereditary Breast and Ovarian Cancer. Identifiers: Orphanet 145, MedGen C0677776, MeSH D061325, MONDO:0003582. Disease mechanism: loss of function.
Hereditary cancer-predisposing syndrome. Also called: Neoplastic Syndromes, Hereditary; Tumor predisposition; Hereditary Cancer Syndrome; Hereditary neoplastic syndrome. Identifiers: Orphanet 140162, MedGen C0027672, MeSH D009386, MONDO:0015356.

Submissions (3):

Labcorp Genetics (formerly Invitae), Labcorp
Classification: Uncertain significance for Hereditary breast ovarian cancer syndrome. Last evaluated: 2025-02-25. Review status: criteria provided, single submitter. Criteria: Invitae Variant Classification Sherloc (09022015). Collection method: clinical testing. Allele origin: germline.
Comment: This sequence change replaces isoleucine, which is neutral and non-polar, with phenylalanine, which is neutral and non-polar, at codon 283 of the BRCA2 protein (p.Ile283Phe). This variant is not present in population databases (gnomAD no frequency). This variant has not been reported in the literature in individuals affected with BRCA2-related conditions. ClinVar contains an entry for this variant (Variation ID: 482977). Invitae Evidence Modeling of protein sequence and biophysical properties (such as structural, functional, and spatial information, amino acid conservation, physicochemical variation, residue mobility, and thermodynamic stability) indicates that this missense variant is not expected to disrupt BRCA2 protein function with a negative predictive value of 95%. In summary, the available evidence is currently insufficient to determine the role of this variant in disease. Therefore, it has been classified as a Variant of Uncertain Significance.

University of Washington Department of Laboratory Medicine, University of Washington
Classification: Likely benign for Hereditary cancer-predisposing syndrome. Last evaluated: 2023-03-23. Review status: criteria provided, single submitter. Criteria: Dines et al. (Genet Med. 2020). Collection method: curation. Allele origin: germline.
Comment: Missense variant in a coldspot region where missense variants are very unlikely to be pathogenic (PMID:31911673).

BRCA2 exon 10 coldspot. Reclassification based on statistical prior probability.

Ambry Genetics
Classification: Likely benign for Hereditary cancer-predisposing syndrome. Last evaluated: 2017-08-16. Review status: criteria provided, single submitter. Criteria: Ambry Variant Classification Scheme 2023. Collection method: clinical testing. Allele origin: germline.